The following is an entry in ClinVar:

ClinVar aggregate classification (germline): Uncertain significance. Review status: criteria provided, multiple submitters, no conflicts (2 of 4 stars). 3 submissions from 3 submitters: Uncertain significance (3). Last evaluated 2024-12-03.

Conditions:
Inborn genetic diseases. Identifiers: MedGen C0950123, MeSH D030342.
Charcot-Marie-Tooth disease type 4. Also called: Charcot-Marie-Tooth disease, type IV; Charcot-Marie-Tooth, Type 4. Identifiers: Orphanet 64749, MedGen C4082197, MONDO:0018995.

Allele frequency attached by ClinVar (database versions not stated): ExAC 0.00004; gnomAD 0.00005; gnomAD exomes 0.00005 and 0.00010; TOPMed 0.00005.

Submissions (3):

Ambry Genetics
Classification: Uncertain significance for Inborn genetic diseases. Last evaluated: 2024-12-03. Review status: criteria provided, single submitter. Criteria: Ambry Variant Classification Scheme 2023. Collection method: clinical testing. Allele origin: germline.

Mayo Clinic Laboratories, Mayo Clinic
Classification: Uncertain significance. Last evaluated: 2024-07-19. Review status: criteria provided, single submitter. Criteria: ACMG Guidelines, 2015. Collection method: clinical testing. Allele origin: germline. Observed: 1 variant allele.
Comment: PM2

Labcorp Genetics (formerly Invitae), Labcorp
Classification: Uncertain significance for Charcot-Marie-Tooth disease type 4. Last evaluated: 2022-06-27. Review status: criteria provided, single submitter. Criteria: Invitae Variant Classification Sherloc (09022015). Collection method: clinical testing. Allele origin: germline.
Comment: This sequence change replaces leucine, which is neutral and non-polar, with phenylalanine, which is neutral and non-polar, at codon 404 of the SBF2 protein (p.Leu404Phe). This variant is present in population databases (rs764058215, gnomAD 0.01%). This variant has not been reported in the literature in individuals affected with SBF2-related conditions. ClinVar contains an entry for this variant (Variation ID: 968773). Algorithms developed to predict the effect of missense changes on protein structure and function are either unavailable or do not agree on the potential impact of this missense change (SIFT: "Tolerated"; PolyPhen-2: "Probably Damaging"; Align-GVGD: "Class C0"). In summary, the available evidence is currently insufficient to determine the role of this variant in disease. Therefore, it has been classified as a Variant of Uncertain Significance.

NM_030962.4(SBF2):c.1210C>T (p.Leu404Phe)

Gene: SBF2 (SET binding factor 2; minus strand). Cytogenetic location: 11p15.4.
Variant type: single nucleotide variant.
Coding change: c.1210C>T on transcript NM_030962.4 (MANE Select); coding-DNA position 1210, C replaced by T.
Protein change: p.Leu404Phe; replaces leucine 404 with phenylalanine.
Molecular consequence: missense variant. On other transcripts: intron variant (1).
Genome position (GRCh38, 1-based): chr11:9,992,501, G>A on the plus strand (C>T on the coding strand, the complement: SBF2 is on the minus strand). VCF-style: chr11-9992501-G-A. GRCh37 (hg19) VCF-style: chr11-10014048-G-A.
Other names: p.Leu404Phe; c.1210C>T, p.Leu404Phe (NM_001386339.1); c.1167+489C>T (NM_001386342.1); short protein forms L404F.
Identifiers: ClinVar variation 968773 (VCV000968773.12), dbSNP rs764058215, ClinGen allele CA5881881.
Genomic context (GRCh38, chr11:9,992,501, plus strand): 5'-AAGGAGGACCTCTTTCTGAAACAAAACCTGCAAATGCCATTCCACTGAGTACTTTAGTGA[G>A]GAAATCATTCTCGACCAAACCACGCTGCCCCAAGAATGCTGTCTGTGAAAAAAGAAAATG-3'
Protein context (NP_112224.1, residues 394-414): GQRGLVENDF[Leu404Phe]TKVLSGMAFA